The following is an entry in ClinVar:

NM_001267550.2(TTN):c.90904G>A (p.Glu30302Lys)

Genes: TTN (titin; minus strand), TTN-AS1 (TTN antisense RNA 1; plus strand). Cytogenetic location: 2q31.2.
Variant type: single nucleotide variant.
Coding change: c.90904G>A on transcript NM_001267550.2 (MANE Select); coding-DNA position 90904, G replaced by A.
Protein change: p.Glu30302Lys; replaces glutamic acid 30302 with lysine.
Molecular consequence: missense variant.
Genome position (GRCh38, 1-based): chr2:178,551,996, C>T on the plus strand (G>A on the coding strand, the complement: TTN is on the minus strand). VCF-style: chr2-178551996-C-T. GRCh37 (hg19) VCF-style: chr2-179416723-C-T.
Other names: c.83200G>A, p.Glu27734Lys (NM_133378.4); c.85981G>A, p.Glu28661Lys (NM_001256850.1); c.63709G>A, p.Glu21237Lys (NM_003319.4); c.64084G>A, p.Glu21362Lys (NM_133432.3); c.64285G>A, p.Glu21429Lys (NM_133437.4); short protein forms E27734K, E30302K, E21429K, E21362K, E21237K, E28661K.
Identifiers: ClinVar variation 505228 (VCV000505228.5), dbSNP rs1553538924, ClinGen allele CA349505726.
Genomic context (GRCh38, chr2:178,551,996, plus strand): 5'-ACTGGTGTTTTGCCACAATAATGCTTGAGACAAGTGGTTGGCTGACTCCGTATCTGTTTT[C>T]TGCTCTCACTCTAAACTGGTACTCAGCATCTTTGACTAGATTAGGAACTTTGAAAGTCGT-3'
Protein context (NP_001254479.2, residues 30292-30312): DAEYQFRVRA[Glu30302Lys]NRYGVSQPLV

ClinVar aggregate classification (germline): Uncertain significance (1 of 4 stars; one submission).

Allele frequency attached by ClinVar (database versions not stated): gnomAD exomes below 0.00001.
gnomAD v4.1: 2 of 1,611,836 alleles (0.00012%); highest among the groups gnomAD compares: Non-Finnish European, 0.00017%; no homozygotes.

Submission:

Laboratory for Molecular Medicine, Mass General Brigham Personalized Medicine
Classification: Uncertain significance. Last evaluated: 2016-07-18. Review status: criteria provided, single submitter. Criteria: LMM Criteria. Collection method: clinical testing. Allele origin: germline. Observed: 1 variant allele.
Comment: The p.Glu27734Lys variant in TTN has not been previously reported in individuals with cardiomyopathy or in large population studies. Computational prediction to ols are limited or unavailable for this variant. In summary, the clinical signif icance of the p.Glu27734Lys variant is uncertain.